The following is an entry in ClinVar:

NM_001374828.1(ARID1B):c.5567A>G (p.Glu1856Gly)

Gene: ARID1B (AT-rich interaction domain 1B; plus strand). Cytogenetic location: 6q25.3.
Variant type: single nucleotide variant.
Coding change: c.5567A>G on transcript NM_001374828.1 (MANE Select); coding-DNA position 5567, A replaced by G.
Protein change: p.Glu1856Gly; replaces glutamic acid 1856 with glycine.
Molecular consequence: missense variant.
Genome position (GRCh38, 1-based): chr6:157,206,339, A>G. VCF-style: chr6-157206339-A-G. GRCh37 (hg19) VCF-style: chr6-157527473-A-G.
Other names: c.3068A>G, p.Glu1023Gly (NM_001363725.2); c.5447A>G, p.Glu1816Gly (NM_001371656.1, NM_001374820.1); c.5696A>G, p.Glu1899Gly (NM_001438482.1); c.5609A>G, p.Glu1870Gly (NM_001438483.1); c.5477A>G, p.Glu1826Gly (NM_001438485.1); c.5450A>G, p.Glu1817Gly (NM_001438486.1); c.5387A>G, p.Glu1796Gly (NM_001438487.1); c.2909A>G, p.Glu970Gly (NM_001438488.1); and 2 more; short protein forms E1803G, E1899G, E1796G, E1817G, E1856G, E1826G, E1870G, E1023G.
Identifiers: ClinVar variation 4982074 (VCV004982074.1).

ClinVar aggregate classification (germline): Uncertain significance (1 of 4 stars; one submission).

Conditions:
ARID1B-Related Disorder. Identifiers: MedGen CN381337.

Submission:

PreventionGenetics, part of Exact Sciences
Classification: Uncertain significance for ARID1B-related condition. Last evaluated: 2026-06-21. Review status: criteria provided, single submitter. Criteria: ACMG Guidelines, 2015. Collection method: clinical testing. Allele origin: germline.
Comment: The ARID1B c.5198A>G variant is predicted to result in the amino acid substitution p.Glu1733Gly. To our knowledge, this variant has not been reported in the literature or in a large population database (gnomAD), indicating this variant is rare. At this time, the clinical significance of this variant is uncertain due to the absence of conclusive functional and genetic evidence.